The following is an entry in ClinVar:

NM_001394062.1(MACF1):c.14584C>T (p.Leu4862Phe)

Genes: MACF1 (microtubule actin crosslinking factor 1; plus strand), LOC114803468 (MACF1 eExon liver enhancer; plus strand). Cytogenetic location: 1p34.3.
Variant type: single nucleotide variant.
Coding change: c.14584C>T on transcript NM_001394062.1 (MANE Select); coding-DNA position 14584, C replaced by T.
Protein change: p.Leu4862Phe; replaces leucine 4862 with phenylalanine.
Molecular consequence: missense variant.
Genome position (GRCh38, 1-based): chr1:39,387,426, C>T. VCF-style: chr1-39387426-C-T. GRCh37 (hg19) VCF-style: chr1-39853098-C-T.
Other names: c.8398C>T, p.Leu2800Phe (NM_012090.5); short protein forms L2800F, L4862F.
Identifiers: ClinVar variation 4075738 (VCV004075738.1).

ClinVar aggregate classification (germline): Uncertain significance (1 of 4 stars; one submission).

Submission:

GeneDx
Classification: Uncertain significance. Last evaluated: 2025-02-18. Review status: criteria provided, single submitter. Criteria: GeneDx Variant Classification Process June 2021. Collection method: clinical testing. Allele origin: germline. Affected: yes.
Comment: Not observed at significant frequency in large population cohorts (gnomAD); In silico analysis supports that this missense variant has a deleterious effect on protein structure/function; Has not been previously published as pathogenic or benign to our knowledge